The following is an entry in ClinVar:

ClinVar aggregate classification (germline): Likely pathogenic (1 of 4 stars; one submission).

Conditions:
Exudative vitreoretinopathy 5 (EVR5). Identifiers: Orphanet 891, MedGen C2750079, MONDO:0013218, OMIM 613310.

Submission:

3billion
Classification: Likely pathogenic for Exudative vitreoretinopathy 5. Last evaluated: 2022-05-22. Review status: criteria provided, single submitter. Criteria: ACMG Guidelines, 2015. Collection method: clinical testing. Allele origin: germline. Affected: yes. Observed: 1 heterozygote.
Comment: The variant is not observed in the gnomAD v2.1.1 dataset. Canonical splice site: predicted to alter splicing and result in a loss or disruption of normal protein function. The predicted truncated protein may be shortened by more than 10%. Therefore, this variant is classified as likely pathogenic according to the recommendation of ACMG/AMP guideline.

NM_012338.4(TSPAN12):c.612+1G>T

Gene: TSPAN12 (tetraspanin 12; minus strand). Cytogenetic location: 7q31.31.
Variant type: single nucleotide variant.
Coding change: c.612+1G>T on transcript NM_012338.4 (MANE Select); the canonical splice donor site of the intron after coding-DNA position 612, G replaced by T.
Molecular consequence: splice donor variant.
Genome position (GRCh38, 1-based): chr7:120,806,548, C>A on the plus strand (G>T on the coding strand, the complement: TSPAN12 is on the minus strand). VCF-style: chr7-120806548-C-A. GRCh37 (hg19) VCF-style: chr7-120446602-C-A.
Identifiers: ClinVar variation 1687611 (VCV001687611.1), dbSNP rs2116347776, ClinGen allele CA369135909.
Genomic context (GRCh38, chr7:120,806,548, plus strand): 5'-TCTTTAAAGTTATTCCTAAGAAAACATTTATCCATAATAAATTAACCATATATGGCCTCA[C>A]CTCTTGATAAAGGTCACTGAGATCTTCCTGGTGGGCCTGTTTGGAACATCCTGGGAATTC-3'